The following is an entry in ClinVar:

NM_024675.4(PALB2):c.803A>C (p.Lys268Thr)

Gene: PALB2 (partner and localizer of BRCA2; minus strand). Cytogenetic location: 16p12.2.
Variant type: single nucleotide variant.
Coding change: c.803A>C on transcript NM_024675.4 (MANE Select); coding-DNA position 803, A replaced by C.
Protein change: p.Lys268Thr; replaces lysine 268 with threonine.
Molecular consequence: missense variant. On other transcripts: 5 prime UTR variant (8), intron variant (3).
Genome position (GRCh38, 1-based): chr16:23,635,743, T>G on the plus strand (A>C on the coding strand, the complement: PALB2 is on the minus strand). VCF-style: chr16-23635743-T-G. GRCh37 (hg19) VCF-style: chr16-23647064-T-G.
Other names: c.743A>C, p.Lys248Thr (NM_001407296.1); c.803A>C, p.Lys268Thr (NM_001407297.1, NM_001407298.1, NM_001407299.1 and 3 more transcripts); c.-83A>C (NM_001407304.1, NM_001407305.1, NM_001407306.1 and 5 more transcripts); c.48+5367A>C (NM_001407314.1); c.-104-5274A>C (NM_001407313.1, NM_001407312.1); short protein forms K248T, K268T.
Identifiers: ClinVar variation 2854199 (VCV002854199.3), dbSNP rs1967019966, ClinGen allele CA395136010.

ClinVar aggregate classification (germline): Uncertain significance (1 of 4 stars; one submission).

Conditions:
Familial cancer of breast. Also called: Hereditary breast cancer; BREAST CANCER, FAMILIAL; hereditary breast carcinoma. Identifiers: Orphanet 227535, MedGen C0346153, MONDO:0016419, OMIM 114480. Disease mechanism: loss of function.

Submission:

Labcorp Genetics (formerly Invitae), Labcorp
Classification: Uncertain significance for Familial cancer of breast. Last evaluated: 2025-10-27. Review status: criteria provided, single submitter. Criteria: Invitae Variant Classification Sherloc (09022015). Collection method: clinical testing. Allele origin: germline.
Comment: This sequence change replaces lysine, which is basic and polar, with threonine, which is neutral and polar, at codon 268 of the PALB2 protein (p.Lys268Thr). This variant is not present in population databases (gnomAD no frequency). This variant has not been reported in the literature in individuals affected with PALB2-related conditions. ClinVar contains an entry for this variant (Variation ID: 2854199). An algorithm developed to predict the effect of missense changes on protein structure and function outputs the following: PolyPhen-2: "Benign". The threonine amino acid residue is found in multiple mammalian species, which suggests that this missense change does not adversely affect protein function. In summary, the available evidence is currently insufficient to determine the role of this variant in disease. Therefore, it has been classified as a Variant of Uncertain Significance.